The following is an entry in ClinVar:

ClinVar aggregate classification (germline): Uncertain significance. Review status: criteria provided, multiple submitters, no conflicts (2 of 4 stars). 2 submissions from 2 submitters: Uncertain significance (2). Last evaluated 2025-06-14.

Conditions:
Parkinson disease 17 (PARK17). Also called: VPS35-Related Parkinson Disease. Identifiers: Orphanet 411602, MedGen C3280133, MONDO:0013625, OMIM 614203.

Allele frequency attached by ClinVar (database versions not stated): gnomAD exomes below 0.00001.
gnomAD v4.1: 2 of 1,613,638 alleles (0.00012%); highest among the groups gnomAD compares: Admixed American, 0.0017%; no homozygotes.

Submissions (2):

Labcorp Genetics (formerly Invitae), Labcorp
Classification: Uncertain significance for Parkinson disease 17. Last evaluated: 2025-06-14. Review status: criteria provided, single submitter. Criteria: Invitae Variant Classification Sherloc (09022015). Collection method: clinical testing. Allele origin: germline.
Comment: This sequence change replaces aspartic acid, which is acidic and polar, with histidine, which is basic and polar, at codon 169 of the VPS35 protein (p.Asp169His). This variant is present in population databases (no rsID available, gnomAD no frequency). This variant has not been reported in the literature in individuals affected with VPS35-related conditions. ClinVar contains an entry for this variant (Variation ID: 885653). An algorithm developed to predict the effect of missense changes on protein structure and function (PolyPhen-2) suggests that this variant is likely to be tolerated. In summary, the available evidence is currently insufficient to determine the role of this variant in disease. Therefore, it has been classified as a Variant of Uncertain Significance.

Illumina Laboratory Services, Illumina
Classification: Uncertain significance for Parkinson disease 17. Last evaluated: 2018-01-13. Review status: criteria provided, single submitter. Criteria: ICSL Variant Classification Criteria 13 December 2019. Collection method: clinical testing. Allele origin: germline.

NM_018206.6(VPS35):c.505G>C (p.Asp169His)

Gene: VPS35 (VPS35 retromer complex component; minus strand). Cytogenetic location: 16q11.2.
Variant type: single nucleotide variant.
Coding change: c.505G>C on transcript NM_018206.6 (MANE Select); coding-DNA position 505, G replaced by C.
Protein change: p.Asp169His; replaces aspartic acid 169 with histidine.
Molecular consequence: missense variant.
Genome position (GRCh38, 1-based): chr16:46,680,672, C>G on the plus strand (G>C on the coding strand, the complement: VPS35 is on the minus strand). VCF-style: chr16-46680672-C-G. GRCh37 (hg19) VCF-style: chr16-46714584-C-G.
Other names: short protein forms D169H.
Identifiers: ClinVar variation 885653 (VCV000885653.5), dbSNP rs1434089382, ClinGen allele CA395813951.
Genomic context (GRCh38, chr16:46,680,672, plus strand): 5'-TTTATACATTCTACAATGAAAGAAATATTGCAACAAAATTAAGAAAGAAAATCACTTACT[C>G]TGTTGGCTCTCCTTCATCAGGTAAGATATTTCTGGTACACTGAAGAAGGTAATTTCGAAG-3'
Protein context (NP_060676.2, residues 159-179): NILPDEGEPT[Asp169His]EETTGDISDS